The following is an entry in ClinVar:

NM_018245.3(OGDHL):c.54C>T (p.Leu18=)

Gene: OGDHL (oxoglutarate dehydrogenase L; minus strand). Cytogenetic location: 10q11.23.
Variant type: single nucleotide variant.
Coding change: c.54C>T on transcript NM_018245.3 (MANE Select); coding-DNA position 54, C replaced by T.
Protein change: p.Leu18=; no amino-acid change (leucine 18 retained).
Molecular consequence: synonymous variant. On other transcripts: 5 prime UTR variant (3), non-coding transcript variant (4), intron variant (2).
Genome position (GRCh38, 1-based): chr10:49,758,539, G>A on the plus strand (C>T on the coding strand, the complement: OGDHL is on the minus strand). VCF-style: chr10-49758539-G-A. GRCh37 (hg19) VCF-style: chr10-50966585-G-A.
Other names: c.54C>T, p.Leu18= (NM_001143996.2, NM_001347819.1, NM_001347820.1 and 2 more transcripts); c.-885C>T (NM_001347821.2, NM_001347825.2); c.-873C>T (NM_001347826.1); c.-253+3794C>T (NM_001347822.1); c.-253+3700C>T (NM_001143997.2).
Identifiers: ClinVar variation 3039405 (VCV003039405.2), dbSNP rs188042125, ClinGen allele CA5499065.

ClinVar aggregate classification (germline): Benign (0 of 4 stars; one submission).

Conditions:
OGDHL-related disorder. Also called: OGDHL-related condition.

Allele frequency attached by ClinVar (database versions not stated): ESP Exome Variant Server 0.00008; gnomAD exomes 0.00078; gnomAD 0.00131; TOPMed 0.00231; ExAC 0.00253; 1000 Genomes Project 0.00339; 1000 Genomes Project 30x 0.00344.
gnomAD v4.1: 1,329 of 1,613,884 alleles (0.082%); highest among the groups gnomAD compares: Admixed American, 2%; 16 homozygotes.

Submission:

PreventionGenetics, part of Exact Sciences
Classification: Benign for OGDHL-related condition. Last evaluated: 2019-05-24. Review status: no assertion criteria provided. Collection method: clinical testing. Allele origin: germline.
Comment: This variant is classified as benign based on ACMG/AMP sequence variant interpretation guidelines (Richards et al. 2015 PMID: 25741868, with internal and published modifications).